The following is an entry in ClinVar:

NM_000540.3(RYR1):c.9007C>T (p.Leu3003Phe)

Gene: RYR1 (ryanodine receptor 1; plus strand). Cytogenetic location: 19q13.2.
Variant type: single nucleotide variant.
Coding change: c.9007C>T on transcript NM_000540.3 (MANE Select); coding-DNA position 9007, C replaced by T.
Protein change: p.Leu3003Phe; replaces leucine 3003 with phenylalanine.
Molecular consequence: missense variant.
Genome position (GRCh38, 1-based): chr19:38,510,666, C>T. VCF-style: chr19-38510666-C-T. GRCh37 (hg19) VCF-style: chr19-39001306-C-T.
Other names: c.9007C>T, p.Leu3003Phe (NM_001042723.2); c.9007C>T (NM_000540.2); short protein forms L3003F.
Identifiers: ClinVar variation 1421397 (VCV001421397.11), dbSNP rs1970687243, ClinGen allele CA405683573.

ClinVar aggregate classification (germline): Uncertain significance. Review status: criteria provided, multiple submitters, no conflicts (2 of 4 stars). 6 submissions from 6 submitters: Uncertain significance (6). Last evaluated 2025-10-07.

Conditions:
RYR1-related disorder. Also called: RYR1-related disorders; RYR1-related condition. Identifiers: MedGen CN239331.
Congenital myopathy with fiber type disproportion. Also called: Congenital fiber-type disproportion myopathy; Congenital fiber-type disproportion. Identifiers: Orphanet 2020, MedGen C0546264, MONDO:0009711. Inheritance: all.
Malignant hyperthermia, susceptibility to, 1 (MHS1). Also called: Anesthesia related hyperthermia; Malignant hyperpyrexia; Fulminating hyperpyrexia; Pharmacogenic myopathy; RYR1-Related Malignant Hyperthermia Susceptibility; Malignant hyperthermia suceptibility 1. Identifiers: Orphanet 423, MedGen C2930980, MONDO:0007783, OMIM 145600.
Central core myopathy (CMYO1A). Also called: CONGENITAL MYOPATHY 1A, AUTOSOMAL DOMINANT, WITH SUSCEPTIBILITY TO MALIGNANT HYPERTHERMIA; Central core disease; Myopathy, central fibrillar. Identifiers: Orphanet 597, MedGen C5830701, MONDO:0007294, OMIM 117000.
King Denborough syndrome (KDS). Identifiers: MedGen C1840365, MONDO:0020485, OMIM 619542.
Congenital multicore myopathy with external ophthalmoplegia (CMYO1B). Also called: Minicore myopathy with external ophthalmoplegia; MULTICORE MYOPATHY; MULTIMINICORE DISEASE WITH EXTERNAL OPHTHALMOPLEGIA; Congenital myopathy 1B, autosomal recessive; Minicore myopathy. Identifiers: Orphanet 598, Orphanet 98905, MedGen C1850674, MONDO:0009712, OMIM 255320, HP:0003789.
Inborn genetic diseases. Identifiers: MedGen C0950123, MeSH D030342.

Allele frequency attached by ClinVar (database versions not stated): TOPMed below 0.00001.
gnomAD v4.1: 9 of 1,614,174 alleles (0.00056%); highest among the groups gnomAD compares: Non-Finnish European, 0.00076%; no homozygotes.

Submissions (6):

Ambry Genetics
Classification: Uncertain significance for Inborn genetic diseases. Last evaluated: 2025-10-07. Review status: criteria provided, single submitter. Criteria: Ambry Variant Classification Scheme 2023. Collection method: clinical testing. Allele origin: germline.

All of Us Research Program, National Institutes of Health
Classification: Uncertain significance for Malignant hyperthermia, susceptibility to, 1. Last evaluated: 2024-09-23. Review status: criteria provided, single submitter. Criteria: ACMG Guidelines, 2015. Collection method: clinical testing. Allele origin: germline. Inheritance: Autosomal dominant inheritance. Observed: 4 variant alleles, 4 heterozygotes.
Comment: This missense variant replaces leucine with phenylalanine at codon 3003 of the RYR1 protein. Computational prediction is inconclusive regarding the impact of this variant on protein structure and function (internally defined REVEL score threshold 0.5 < inconclusive < 0.7, PMID: 27666373). To our knowledge, functional studies have not been reported for this variant. This variant has not been reported in individuals affected with RYR1-related disorders in the literature. This variant has not been identified in the general population by the Genome Aggregation Database (gnomAD). The available evidence is insufficient to determine the role of this variant in disease conclusively. Therefore, this variant is classified as a Variant of Uncertain Significance.

This study involves interpretation of variants in research participants for the purpose of population health screening. Participant phenotype was not available at the time of variant classification. Additional details can be found in publication PMID: 35346344, PMCID: PMC8962531

Color Diagnostics, LLC DBA Color Health
Classification: Uncertain significance for Malignant hyperthermia, susceptibility to, 1. Last evaluated: 2024-03-06. Review status: criteria provided, single submitter. Criteria: ACMG Guidelines, 2015. Collection method: clinical testing. Allele origin: germline.
Comment: This missense variant replaces leucine with phenylalanine at codon 3003 of the RYR1 protein. Computational prediction is inconclusive regarding the impact of this variant on protein structure and function. To our knowledge, functional studies have not been reported for this variant. This variant has not been reported in individuals affected with RYR1-related disorders in the literature. This variant has not been identified in the general population by the Genome Aggregation Database (gnomAD). The available evidence is insufficient to determine the role of this variant in disease conclusively. Therefore, this variant is classified as a Variant of Uncertain Significance.

Blueprint Genetics
Classification: Uncertain significance. Last evaluated: 2021-10-11. Review status: criteria provided, single submitter. Criteria: ACMG Guidelines, 2015. Collection method: clinical testing. Allele origin: germline.

Labcorp Genetics (formerly Invitae), Labcorp
Classification: Uncertain significance for RYR1-related disorder. Last evaluated: 2021-09-17. Review status: criteria provided, single submitter. Criteria: Invitae Variant Classification Sherloc (09022015). Collection method: clinical testing. Allele origin: germline.
Comment: This sequence change replaces leucine with phenylalanine at codon 3003 of the RYR1 protein (p.Leu3003Phe). The leucine residue is highly conserved and there is a small physicochemical difference between leucine and phenylalanine. This variant is not present in population databases (ExAC no frequency). This variant has not been reported in the literature in individuals with RYR1-related conditions. Advanced modeling of protein sequence and biophysical properties (such as structural, functional, and spatial information, amino acid conservation, physicochemical variation, residue mobility, and thermodynamic stability) performed at Invitae indicates that this missense variant is not expected to disrupt RYR1 protein function. In summary, the available evidence is currently insufficient to determine the role of this variant in disease. Therefore, it has been classified as a Variant of Uncertain Significance.

Fulgent Genetics
Classification: Uncertain significance for Central core myopathy; Malignant hyperthermia, susceptibility to, 1; Congenital myopathy 4A, autosomal dominant; Congenital multicore myopathy with external ophthalmoplegia; King Denborough syndrome. Last evaluated: 2021-08-06. Review status: criteria provided, single submitter. Criteria: ACMG Guidelines, 2015. Collection method: clinical testing. Allele origin: unknown.